The following is an entry in ClinVar:

NM_020774.4(MIB1):c.574G>C (p.Ala192Pro)

Gene: MIB1 (MIB E3 ubiquitin protein ligase 1; plus strand). Cytogenetic location: 18q11.2.
Variant type: single nucleotide variant.
Coding change: c.574G>C on transcript NM_020774.4 (MANE Select); coding-DNA position 574, G replaced by C.
Protein change: p.Ala192Pro; replaces alanine 192 with proline.
Molecular consequence: missense variant.
Genome position (GRCh38, 1-based): chr18:21,773,666, G>C. VCF-style: chr18-21773666-G-C. GRCh37 (hg19) VCF-style: chr18-19353627-G-C.
Other names: short protein forms A192P.
Identifiers: ClinVar variation 4054656 (VCV004054656.1).

ClinVar aggregate classification (germline): Uncertain significance (1 of 4 stars; one submission).

Conditions:
Inborn genetic diseases. Identifiers: MedGen C0950123, MeSH D030342.

gnomAD v4.1: 1 of 1,609,176 alleles (0.000062%); highest among the groups gnomAD compares: Non-Finnish European, 0.000085%; no homozygotes.

Submission:

Ambry Genetics
Classification: Uncertain significance for Inborn genetic diseases. Last evaluated: 2025-06-10. Review status: criteria provided, single submitter. Criteria: Ambry Variant Classification Scheme 2023. Collection method: clinical testing. Allele origin: germline.
Comment: The p.A192P variant (also known as c.574G>C), located in coding exon 4 of the MIB1 gene, results from a G to C substitution at nucleotide position 574. The alanine at codon 192 is replaced by proline, an amino acid with highly similar properties. This amino acid position is conserved. In addition, this alteration is predicted to be deleterious by in silico analysis. Based on the available evidence, the clinical significance of this variant remains unclear.